The following is an entry in ClinVar:

NM_012233.3(RAB3GAP1):c.1174C>T (p.Arg392Ter)

Gene: RAB3GAP1 (RAB3 GTPase activating protein catalytic subunit 1; plus strand). Cytogenetic location: 2q21.3.
Variant type: single nucleotide variant.
Coding change: c.1174C>T on transcript NM_012233.3 (MANE Select); coding-DNA position 1174, C replaced by T.
Protein change: p.Arg392Ter; replaces arginine 392 with a stop codon.
Molecular consequence: nonsense.
Genome position (GRCh38, 1-based): chr2:135,130,659, C>T. VCF-style: chr2-135130659-C-T. GRCh37 (hg19) VCF-style: chr2-135888229-C-T.
Other names: c.1174C>T, p.Arg392Ter (NM_001172435.2); short protein forms R392*.
Identifiers: ClinVar variation 2438030 (VCV002438030.7), dbSNP rs779312077, ClinGen allele CA1884767.

ClinVar aggregate classification (germline): Pathogenic. Review status: criteria provided, multiple submitters, no conflicts (2 of 4 stars). 5 submissions from 5 submitters: Pathogenic (5). Last evaluated 2026-01-27.

Conditions:
Warburg micro syndrome 1 (WARBM1). Identifiers: Orphanet 2510, MedGen C1838625, MONDO:0010822, OMIM 600118.
Structural eye disease.

Allele frequency attached by ClinVar (database versions not stated): gnomAD exomes 0.00001; TOPMed 0.00001; ExAC 0.00002.

Submissions (5):

North West Genomic Laboratory Hub, Manchester University NHS Foundation Trust
Classification: Pathogenic for Structural eye disease. Last evaluated: 2026-01-27. Review status: criteria provided, single submitter. Criteria: ACGS Best Practice Guidelines for Variant Classification in Rare Disease 2024. Collection method: clinical testing. Allele origin: germline. Affected: yes.
Comment: PVS1_VStr PM2_Mod PM3_Supp

GeneDx
Classification: Pathogenic. Last evaluated: 2025-04-01. Review status: criteria provided, single submitter. Criteria: GeneDx Variant Classification Process June 2021. Collection method: clinical testing. Allele origin: germline. Affected: yes.
Comment: Nonsense variant predicted to result in protein truncation or nonsense mediated decay in a gene for which loss of function is a known mechanism of disease; This variant is associated with the following publications: (PMID: 25525159, 28944914, 15696165)

Centre for Inherited Metabolic Diseases, Karolinska University Hospital
Classification: Pathogenic for Warburg micro syndrome 1. Last evaluated: 2024-02-29. Review status: criteria provided, single submitter. Criteria: ACMG Guidelines, 2015. Collection method: clinical testing. Allele origin: inherited. Inheritance: Autosomal recessive inheritance. Affected: yes. Observed: 1 homozygote.

3billion
Classification: Pathogenic for Warburg micro syndrome 1. Last evaluated: 2023-02-23. Review status: criteria provided, single submitter. Criteria: ACMG Guidelines, 2015. Collection method: clinical testing. Allele origin: unknown. Affected: yes.
Comment: The variant is observed at an extremely low frequency in the gnomAD v2.1.1 dataset (total allele frequency: 0.002%). This variant was predicted to result in a loss or disruption of normal protein function through nonsense-mediated decay (NMD) or protein truncation. Multiple pathogenic variants are reported downstream of the variant. The variant has been reported to be associated with RAB3GAP1 related disorder (PMID: 15696165). Therefore, this variant is classified as Pathogenic according to the recommendation of ACMG/AMP guideline.

Revvity Omics, Revvity
Classification: Pathogenic. Last evaluated: 2023-02-17. Review status: criteria provided, single submitter. Criteria: ACMG Guidelines, 2015. Collection method: clinical testing. Allele origin: germline.

Literature cited by the submitters: PubMed 15696165 (cited by 3billion).